The following is an entry in ClinVar:

NM_001370466.1(NOD2):c.2677G>T (p.Ala893Ser)

Gene: NOD2 (nucleotide binding oligomerization domain containing 2; plus strand). Cytogenetic location: 16q12.1.
Variant type: single nucleotide variant.
Coding change: c.2677G>T on transcript NM_001370466.1 (MANE Select); coding-DNA position 2677, G replaced by T.
Protein change: p.Ala893Ser; replaces alanine 893 with serine.
Molecular consequence: missense variant. On other transcripts: non-coding transcript variant (1).
Genome position (GRCh38, 1-based): chr16:50,722,665, G>T. VCF-style: chr16-50722665-G-T. GRCh37 (hg19) VCF-style: chr16-50756576-G-T.
Other names: c.2677G>T, p.Ala893Ser (NM_001293557.2); c.2758G>T, p.Ala920Ser (NM_022162.3); short protein forms A893S, A920S.
Identifiers: ClinVar variation 2092083 (VCV002092083.4), dbSNP rs2506505125, ClinGen allele CA395875160.

ClinVar aggregate classification (germline): Uncertain significance (1 of 4 stars; one submission).

Conditions:
Regional enteritis. Also called: Enteritis, Granulomatous. Identifiers: MedGen C0678202, MeSH D003424.
Blau syndrome (BLAUS). Also called: ARTHROCUTANEOUVEAL GRANULOMATOSIS; GRANULOMATOSIS, FAMILIAL JUVENILE SYSTEMIC; GRANULOMATOSIS, FAMILIAL, BLAU TYPE; GRANULOMATOUS INFLAMMATORY ARTHRITIS, DERMATITIS, AND UVEITIS, FAMILIAL; JABS SYNDROME. Identifiers: Orphanet 90340, MedGen C5201146, MONDO:0008523, OMIM 186580.

Submission:

Labcorp Genetics (formerly Invitae), Labcorp
Classification: Uncertain significance for Regional enteritis; Blau syndrome. Last evaluated: 2022-07-26. Review status: criteria provided, single submitter. Criteria: Invitae Variant Classification Sherloc (09022015). Collection method: clinical testing. Allele origin: germline.
Comment: This sequence change replaces alanine, which is neutral and non-polar, with serine, which is neutral and polar, at codon 920 of the NOD2 protein (p.Ala920Ser). In summary, the available evidence is currently insufficient to determine the role of this variant in disease. Therefore, it has been classified as a Variant of Uncertain Significance. Advanced modeling of protein sequence and biophysical properties (such as structural, functional, and spatial information, amino acid conservation, physicochemical variation, residue mobility, and thermodynamic stability) performed at Invitae indicates that this missense variant is not expected to disrupt NOD2 protein function. This variant has not been reported in the literature in individuals affected with NOD2-related conditions. This variant is not present in population databases (gnomAD no frequency).